The following is an entry in ClinVar:

NM_006059.4(LAMC3):c.4633G>A (p.Gly1545Ser)

Gene: LAMC3 (laminin subunit gamma 3; plus strand). Cytogenetic location: 9q34.12.
Variant type: single nucleotide variant.
Coding change: c.4633G>A on transcript NM_006059.4 (MANE Select); coding-DNA position 4633, G replaced by A.
Protein change: p.Gly1545Ser; replaces glycine 1545 with serine.
Molecular consequence: missense variant.
Genome position (GRCh38, 1-based): chr9:131,091,692, G>A. VCF-style: chr9-131091692-G-A. GRCh37 (hg19) VCF-style: chr9-133967079-G-A.
Other names: c.4633G>A (NM_006059.3); short protein forms G1545S.
Identifiers: ClinVar variation 1407700 (VCV001407700.9), dbSNP rs1057207177, ClinGen allele CA200685789.

ClinVar aggregate classification (germline): Conflicting classifications of pathogenicity. Review status: criteria provided, conflicting classifications (1 of 4 stars). 2 submissions from 2 submitters: Uncertain significance (1); Likely benign (1). Last evaluated 2023-07-10.

Conditions:
Inborn genetic diseases. Identifiers: MedGen C0950123, MeSH D030342.

Allele frequency attached by ClinVar (database versions not stated): gnomAD exomes below 0.00001; gnomAD 0.00001; TOPMed 0.00001.
gnomAD v4.1: 7 of 1,610,930 alleles (0.00043%); highest among the groups gnomAD compares: Non-Finnish European, 0.00059%; no homozygotes.

Submissions (2):

Labcorp Genetics (formerly Invitae), Labcorp
Classification: Uncertain significance. Last evaluated: 2023-07-10. Review status: criteria provided, single submitter. Criteria: Invitae Variant Classification Sherloc (09022015). Collection method: clinical testing. Allele origin: germline.
Comment: In summary, the available evidence is currently insufficient to determine the role of this variant in disease. Therefore, it has been classified as a Variant of Uncertain Significance. Algorithms developed to predict the effect of missense changes on protein structure and function output the following: SIFT: "Not Available"; PolyPhen-2: "Benign"; Align-GVGD: "Not Available". The serine amino acid residue is found in multiple mammalian species, which suggests that this missense change does not adversely affect protein function. ClinVar contains an entry for this variant (Variation ID: 1407700). This variant has not been reported in the literature in individuals affected with LAMC3-related conditions. This variant is present in population databases (no rsID available, gnomAD 0.002%). This sequence change replaces glycine, which is neutral and non-polar, with serine, which is neutral and polar, at codon 1545 of the LAMC3 protein (p.Gly1545Ser).

Ambry Genetics
Classification: Likely benign for Inborn genetic diseases. Last evaluated: 2021-07-28. Review status: criteria provided, single submitter. Criteria: Ambry Variant Classification Scheme 2023. Collection method: clinical testing. Allele origin: germline.